The following is an entry in ClinVar:

NM_181712.5(KANK4):c.553C>T (p.Pro185Ser)

Gene: KANK4 (KN motif and ankyrin repeat domains 4; minus strand). Cytogenetic location: 1p31.3.
Variant type: single nucleotide variant.
Coding change: c.553C>T on transcript NM_181712.5 (MANE Select); coding-DNA position 553, C replaced by T.
Protein change: p.Pro185Ser; replaces proline 185 with serine.
Molecular consequence: missense variant. On other transcripts: intron variant (1).
Genome position (GRCh38, 1-based): chr1:62,274,551, G>A on the plus strand (C>T on the coding strand, the complement: KANK4 is on the minus strand). VCF-style: chr1-62274551-G-A. GRCh37 (hg19) VCF-style: chr1-62740223-G-A.
Other names: c.17-2962C>T (NM_001320269.2); short protein forms P185S.
Identifiers: ClinVar variation 4680614 (VCV004680614.2).
Genomic context (GRCh38, chr1:62,274,551, plus strand): 5'-CAAAGGTGCCATCACAGACACTGCCTTCACCCTGAAGGGGAGGGAGGGCAGGAGGGGCAG[G>A]GGGCCCCAGGCTCAGGCCTGGCTCCTCAGAAGCCCTGCTGTGCAGCAGCGTGGCAGGCAT-3'
Protein context (NP_859063.3, residues 175-195): SEEPGLSLGP[Pro185Ser]APPALPPLQG

ClinVar aggregate classification (germline): Uncertain significance. Review status: criteria provided, multiple submitters, no conflicts (2 of 4 stars). 2 submissions from 2 submitters: Uncertain significance (2). Last evaluated 2025-09-25.

gnomAD v4.1: 8 of 1,613,980 alleles (0.0005%); highest among the groups gnomAD compares: Non-Finnish European, 0.00059%; no homozygotes.

Submissions (2):

Ambry Genetics
Classification: Uncertain significance. Last evaluated: 2025-09-25. Review status: criteria provided, single submitter. Criteria: Ambry Variant Classification Scheme 2023. Collection method: clinical testing. Allele origin: germline.

Labcorp Genetics (formerly Invitae), Labcorp
Classification: Uncertain significance. Last evaluated: 2025-03-07. Review status: criteria provided, single submitter. Criteria: Invitae Variant Classification Sherloc (09022015). Collection method: clinical testing. Allele origin: germline.
Comment: This sequence change replaces proline, which is neutral and non-polar, with serine, which is neutral and polar, at codon 185 of the KANK4 protein (p.Pro185Ser). This variant is present in population databases (rs377253083, gnomAD 0.0009%). This variant has not been reported in the literature in individuals affected with KANK4-related conditions. An algorithm developed to predict the effect of missense changes on protein structure and function outputs the following: PolyPhen-2: "Benign". The serine amino acid residue is found in multiple mammalian species, which suggests that this missense change does not adversely affect protein function. In summary, the available evidence is currently insufficient to determine the role of this variant in disease. Therefore, it has been classified as a Variant of Uncertain Significance.